The following is an entry in ClinVar:

ClinVar aggregate classification (germline): Uncertain significance (1 of 4 stars; one submission).

gnomAD v4.1: 7 of 1,613,618 alleles (0.00043%); highest among the groups gnomAD compares: Non-Finnish European, 0.00059%; no homozygotes.

Submission:

Women's Health and Genetics/Laboratory Corporation of America, LabCorp
Classification: Uncertain significance. Last evaluated: 2025-12-10. Review status: criteria provided, single submitter. Criteria: LabCorp Variant Classification Summary - May 2015. Collection method: clinical testing. Allele origin: germline.
Comment: Variant summary: F5 c.4795A>G (p.Arg1599Gly) results in a non-conservative amino acid change in the encoded protein sequence. Algorithms developed to predict the effect of missense changes on protein structure and function all suggest that this variant is likely to be disruptive. Several computational tools predict a significant impact on normal splicing: Two predict the variant abolishes a 5' splicing donor site. One predicts the variant weakens a 5' donor site. However, these predictions have yet to be confirmed by functional studies. The frequency data for this variant in gnomAD is considered unreliable, as metrics indicate poor data quality at this position. To our knowledge, no occurrence of c.4795A>G in individuals affected with F5-related conditions and no experimental evidence demonstrating its impact on protein function have been reported. No submitters have cited clinical-significance assessments for this variant to ClinVar. Based on the evidence outlined above, the variant was classified as uncertain significance.

NM_000130.5(F5):c.4795A>G (p.Arg1599Gly)

Gene: F5 (coagulation factor V; minus strand). Cytogenetic location: 1q24.2.
Variant type: single nucleotide variant.
Coding change: c.4795A>G on transcript NM_000130.5 (MANE Select); coding-DNA position 4795, A replaced by G.
Protein change: p.Arg1599Gly; replaces arginine 1599 with glycine.
Molecular consequence: missense variant.
Genome position (GRCh38, 1-based): chr1:169,540,295, T>C on the plus strand (A>G on the coding strand, the complement: F5 is on the minus strand). VCF-style: chr1-169540295-T-C. GRCh37 (hg19) VCF-style: chr1-169509533-T-C.
Other names: short protein forms R1599G.
Identifiers: ClinVar variation 4688419 (VCV004688419.1).